The following is an entry in ClinVar:

NM_007254.4(PNKP):c.408G>T (p.Pro136=)

Gene: PNKP (polynucleotide kinase 3'-phosphatase; minus strand). Cytogenetic location: 19q13.33.
Variant type: single nucleotide variant.
Coding change: c.408G>T on transcript NM_007254.4 (MANE Select); coding-DNA position 408, G replaced by T.
Protein change: p.Pro136=; no amino-acid change (proline 136 retained).
Molecular consequence: synonymous variant.
Genome position (GRCh38, 1-based): chr19:49,865,217, C>A on the plus strand (G>T on the coding strand, the complement: PNKP is on the minus strand). VCF-style: chr19-49865217-C-A. GRCh37 (hg19) VCF-style: chr19-50368474-C-A.
Identifiers: ClinVar variation 392700 (VCV000392700.3), dbSNP rs770822417, ClinGen allele CA16607885.
Genomic context (GRCh38, chr19:49,865,217, plus strand): 5'-GAACACTAGCAACTTCTCCAAGTTCTCCCAGCCGGGGTTTGACTTCCGCATACGCTTCTT[C>A]GGCAGCTCAGCATCTCTCTTCTCATCTTGGGACACCAGAGGGGTGCCAGGCGGAGTATCT-3'
Protein context (NP_009185.2, residues 126-146): SQDEKRDAEL[Pro136=]KKRMRKSNPG

ClinVar aggregate classification (germline): Likely benign. Review status: criteria provided, multiple submitters, no conflicts (2 of 4 stars). 2 submissions from 2 submitters: Likely benign (2). Last evaluated 2024-05-06.

Conditions:
Developmental and epileptic encephalopathy, 12 (DEE12). Identifiers: MedGen C3150988, MONDO:0013389, OMIM 613722.

Allele frequency attached by ClinVar (database versions not stated): TOPMed 0.00001.
gnomAD v4.1: 1 of 1,614,118 alleles (0.000062%); highest among the groups gnomAD compares: Non-Finnish European, 0.000085%; no homozygotes.

Submissions (2):

Labcorp Genetics (formerly Invitae), Labcorp
Classification: Likely benign for Developmental and epileptic encephalopathy, 12. Last evaluated: 2024-05-06. Review status: criteria provided, single submitter. Criteria: Invitae Variant Classification Sherloc (09022015). Collection method: clinical testing. Allele origin: germline.

GeneDx
Classification: Likely benign. Last evaluated: 2017-01-12. Review status: criteria provided, single submitter. Criteria: GeneDx Variant Classification (06012015). Collection method: clinical testing. Allele origin: germline. Affected: yes.
Comment: This variant is considered likely benign or benign based on one or more of the following criteria: it is a conservative change, it occurs at a poorly conserved position in the protein, it is predicted to be benign by multiple in silico algorithms, and/or has population frequency not consistent with disease.